The following is an entry in ClinVar:

NM_001792.5(CDH2):c.1219G>A (p.Asp407Asn)

Gene: CDH2 (cadherin 2; minus strand). Cytogenetic location: 18q12.1.
Variant type: single nucleotide variant.
Coding change: c.1219G>A on transcript NM_001792.5 (MANE Select); coding-DNA position 1219, G replaced by A.
Protein change: p.Asp407Asn; replaces aspartic acid 407 with asparagine.
Molecular consequence: missense variant.
Genome position (GRCh38, 1-based): chr18:27,992,780, C>T on the plus strand (G>A on the coding strand, the complement: CDH2 is on the minus strand). VCF-style: chr18-27992780-C-T. GRCh37 (hg19) VCF-style: chr18-25572744-C-T.
Other names: CDH2, ASP407ASN (rs568089577); c.1219G>A (NM_001792.4); c.1126G>A, p.Asp376Asn (NM_001308176.2); short protein forms D407N, D376N.
Identifiers: ClinVar variation 929498 (VCV000929498.9), dbSNP rs568089577, ClinGen allele CA8923480.

ClinVar aggregate classification (germline): Conflicting classifications of pathogenicity. Review status: criteria provided, conflicting classifications (1 of 4 stars). 4 submissions from 4 submitters: Pathogenic (2); Uncertain significance (1). 1 of the submissions does not count toward it. Last evaluated 2026-01-25.

Conditions:
Arrhythmogenic right ventricular dysplasia, familial, 14. Also called: ARRHYTHMOGENIC RIGHT VENTRICULAR CARDIOMYOPATHY 14. Identifiers: MedGen C5394505, MONDO:0030062, OMIM 618920.
CDH2-related disorder. Also called: CDH2-related condition.

Allele frequency attached by ClinVar (database versions not stated): TOPMed below 0.00001; ExAC 0.00001; 1000 Genomes Project 30x 0.00016; gnomAD exomes below 0.00001; 1000 Genomes Project 0.00020; gnomAD 0.00001.
gnomAD v4.1: 4 of 1,613,840 alleles (0.00025%); highest among the groups gnomAD compares: African/African-American, 0.0013%; no homozygotes.

Submissions (4):

Labcorp Genetics (formerly Invitae), Labcorp
Classification: Pathogenic. Last evaluated: 2026-01-25. Review status: criteria provided, single submitter. Criteria: Invitae Variant Classification Sherloc (09022015). Collection method: clinical testing. Allele origin: germline.
Comment: This sequence change replaces aspartic acid, which is acidic and polar, with asparagine, which is neutral and polar, at codon 407 of the CDH2 protein (p.Asp407Asn). This variant is not present in population databases (gnomAD no frequency). This missense change has been observed in individuals with clinical features of arrhythmogenic cardiomyopathy (PMID: 28280076, 28326674; internal data). It has also been observed to segregate with disease in related individuals. ClinVar contains an entry for this variant (Variation ID: 929498). An algorithm developed to predict the effect of missense changes on protein structure and function (PolyPhen-2) suggests that this variant is likely to be disruptive. For these reasons, this variant has been classified as Pathogenic.

GeneDx
Classification: Uncertain significance. Last evaluated: 2025-09-20. Review status: criteria provided, single submitter. Criteria: GeneDx Variant Classification Process June 2021. Collection method: clinical testing. Allele origin: germline. Affected: yes.
Comment: Identified in patients with arrhythmogenic right ventricular cardiomyopathy (ARVC) (PMID: 28280076, 28326674, 33566628); In silico analysis supports that this missense variant has a deleterious effect on protein structure/function; Not observed at significant frequency in large population cohorts (gnomAD); This variant is associated with the following publications: (PMID: 33566628, 33831308, 28326674, 31402444, 36975511, 36111109, 28280076)

Blueprint Genetics
Classification: Pathogenic for CDH2-related disorders. Last evaluated: 2023-07-01. Review status: criteria provided, single submitter. Criteria: ACMG Guidelines, 2015. Collection method: clinical testing. Allele origin: germline. Affected: yes. Observed: 4 variant alleles.

OMIM
Classification: Pathogenic for ARRHYTHMOGENIC RIGHT VENTRICULAR DYSPLASIA, FAMILIAL, 14. Last evaluated: 2020-06-23. Review status: no assertion criteria provided. Collection method: literature only. Allele origin: germline. Not counted in ClinVar's aggregate classification.

Literature cited by the submitters: PubMed 28280076 (cited by Labcorp Genetics (formerly Invitae), Labcorp and OMIM); PubMed 28326674 (cited by Labcorp Genetics (formerly Invitae), Labcorp).